The following is an entry in ClinVar:

NM_020778.5(ALPK3):c.4526G>C (p.Arg1509Pro)

Gene: ALPK3 (alpha kinase 3; plus strand). Cytogenetic location: 15q25.3.
Variant type: single nucleotide variant.
Coding change: c.4526G>C on transcript NM_020778.5 (MANE Select); coding-DNA position 4526, G replaced by C.
Protein change: p.Arg1509Pro; replaces arginine 1509 with proline.
Molecular consequence: missense variant.
Genome position (GRCh38, 1-based): chr15:84,864,468, G>C. VCF-style: chr15-84864468-G-C. GRCh37 (hg19) VCF-style: chr15-85407699-G-C.
Other names: short protein forms R1509P.
Identifiers: ClinVar variation 2007507 (VCV002007507.4), dbSNP rs759735714, ClinGen allele CA393364775.

ClinVar aggregate classification (germline): Uncertain significance (1 of 4 stars; one submission).

Submission:

Labcorp Genetics (formerly Invitae), Labcorp
Classification: Uncertain significance. Last evaluated: 2022-07-15. Review status: criteria provided, single submitter. Criteria: Invitae Variant Classification Sherloc (09022015). Collection method: clinical testing. Allele origin: germline.
Comment: This sequence change replaces arginine, which is basic and polar, with proline, which is neutral and non-polar, at codon 1711 of the ALPK3 protein (p.Arg1711Pro). This variant is not present in population databases (gnomAD no frequency). This variant has not been reported in the literature in individuals affected with ALPK3-related conditions. Algorithms developed to predict the effect of missense changes on protein structure and function are either unavailable or do not agree on the potential impact of this missense change (SIFT: "Deleterious"; PolyPhen-2: "Probably Damaging"; Align-GVGD: "Class C0"). In summary, the available evidence is currently insufficient to determine the role of this variant in disease. Therefore, it has been classified as a Variant of Uncertain Significance.